The following is an entry in ClinVar:

NM_001903.5(CTNNA1):c.2552C>T (p.Ser851Phe)

Gene: CTNNA1 (catenin alpha 1; plus strand). Cytogenetic location: 5q31.2.
Variant type: single nucleotide variant.
Coding change: c.2552C>T on transcript NM_001903.5 (MANE Select); coding-DNA position 2552, C replaced by T.
Protein change: p.Ser851Phe; replaces serine 851 with phenylalanine.
Molecular consequence: missense variant. On other transcripts: 3 prime UTR variant (5).
Genome position (GRCh38, 1-based): chr5:138,933,920, C>T. VCF-style: chr5-138933920-C-T. GRCh37 (hg19) VCF-style: chr5-138269609-C-T.
Other names: c.*97C>T (NM_001290307.3, NM_001324002.1, NM_001324003.1 and 2 more transcripts); c.2243C>T, p.Ser748Phe (NM_001290309.3); c.2183C>T, p.Ser728Phe (NM_001290310.3); c.1442C>T, p.Ser481Phe (NM_001290312.1, NM_001323987.1, NM_001323988.1 and 12 more transcripts); c.2552C>T, p.Ser851Phe (NM_001323982.2, NM_001323983.1, NM_001323984.2); c.2525C>T, p.Ser842Phe (NM_001323985.2); c.2459C>T, p.Ser820Phe (NM_001323986.2); c.1307C>T, p.Ser436Phe (NM_001324001.1); and 3 more; short protein forms S368F, S400F, S436F, S450F, S481F, S728F, S748F, S820F.
Identifiers: ClinVar variation 1060703 (VCV001060703.9), dbSNP rs763581331, ClinGen allele CA3432266.

ClinVar aggregate classification (germline): Uncertain significance (1 of 4 stars; one submission).

Allele frequency attached by ClinVar (database versions not stated): ExAC 0.00830.

Submission:

Labcorp Genetics (formerly Invitae), Labcorp
Classification: Uncertain significance. Last evaluated: 2023-06-14. Review status: criteria provided, single submitter. Criteria: Invitae Variant Classification Sherloc (09022015). Collection method: clinical testing. Allele origin: germline.
Comment: In summary, the available evidence is currently insufficient to determine the role of this variant in disease. Therefore, it has been classified as a Variant of Uncertain Significance. An algorithm developed to predict the effect of missense changes on protein structure and function (PolyPhen-2) suggests that this variant is likely to be tolerated. ClinVar contains an entry for this variant (Variation ID: 1060703). This variant has not been reported in the literature in individuals affected with CTNNA1-related conditions. The frequency data for this variant in the population databases is considered unreliable, as metrics indicate poor data quality at this position in the gnomAD database. This sequence change replaces serine, which is neutral and polar, with phenylalanine, which is neutral and non-polar, at codon 851 of the CTNNA1 protein (p.Ser851Phe).